The following is an entry in ClinVar:

NM_000136.3(FANCC):c.928G>A (p.Glu310Lys)

Genes: AOPEP (aminopeptidase O (putative); plus strand), FANCC (FA complementation group C; minus strand). Cytogenetic location: 9q22.32.
Variant type: single nucleotide variant.
Coding change: c.928G>A on transcript NM_000136.3 (MANE Select); coding-DNA position 928, G replaced by A.
Protein change: p.Glu310Lys; replaces glutamic acid 310 with lysine.
Molecular consequence: missense variant.
Genome position (GRCh38, 1-based): chr9:95,125,154, C>T on the plus strand (G>A on the coding strand, the complement: FANCC is on the minus strand). VCF-style: chr9-95125154-C-T. GRCh37 (hg19) VCF-style: chr9-97887436-C-T.
Other names: c.928G>A, p.Glu310Lys (NM_001243743.2, NM_001243744.2); short protein forms E310K.
Identifiers: ClinVar variation 1306715 (VCV001306715.4), dbSNP rs1354527553, ClinGen allele CA374108974.

ClinVar aggregate classification (germline): Uncertain significance. Review status: criteria provided, multiple submitters, no conflicts (2 of 4 stars). 2 submissions from 2 submitters: Uncertain significance (2). Last evaluated 2023-12-23.

Conditions:
Hereditary cancer-predisposing syndrome. Also called: Tumor predisposition; Neoplastic Syndromes, Hereditary; Hereditary Cancer Syndrome; Hereditary neoplastic syndrome. Identifiers: Orphanet 140162, MedGen C0027672, MeSH D009386, MONDO:0015356.

Allele frequency attached by ClinVar (database versions not stated): gnomAD exomes below 0.00001; TOPMed 0.00002.
gnomAD v4.1: 2 of 1,614,176 alleles (0.00012%); highest among the groups gnomAD compares: East Asian, 0.0045%; no homozygotes.

Submissions (2):

Ambry Genetics
Classification: Uncertain significance for Hereditary cancer-predisposing syndrome. Last evaluated: 2023-12-23. Review status: criteria provided, single submitter. Criteria: Ambry Variant Classification Scheme 2023. Collection method: clinical testing. Allele origin: germline.
Comment: The p.E310K variant (also known as c.928G>A), located in coding exon 9 of the FANCC gene, results from a G to A substitution at nucleotide position 928. The glutamic acid at codon 310 is replaced by lysine, an amino acid with similar properties. This amino acid position is conserved. In addition, the in silico prediction for this alteration is inconclusive. Since supporting evidence is limited at this time, the clinical significance of this alteration remains unclear.

GeneDx
Classification: Uncertain significance. Last evaluated: 2023-02-01. Review status: criteria provided, single submitter. Criteria: GeneDx Variant Classification Process June 2021. Collection method: clinical testing. Allele origin: germline. Affected: yes.
Comment: Not observed at significant frequency in large population cohorts (gnomAD); In silico analysis supports that this missense variant does not alter protein structure/function; Has not been previously published as pathogenic or benign to our knowledge